The following is an entry in ClinVar:

ClinVar aggregate classification (germline): Likely pathogenic (1 of 4 stars; one submission).

Conditions:
Dilated cardiomyopathy 1G (CMD1G). Identifiers: Orphanet 154, MedGen C1858763, MONDO:0011400, OMIM 604145.
Autosomal recessive limb-girdle muscular dystrophy type 2J (LGMDR10). Also called: Limb-girdle muscular dystrophy, type 2J; MUSCULAR DYSTROPHY, LIMB-GIRDLE, AUTOSOMAL RECESSIVE 10. Identifiers: Orphanet 140922, MedGen C1837342, MONDO:0012127, OMIM 608807.

Submission:

Labcorp Genetics (formerly Invitae), Labcorp
Classification: Likely pathogenic for Dilated cardiomyopathy 1G; Autosomal recessive limb-girdle muscular dystrophy type 2J. Last evaluated: 2019-01-25. Review status: criteria provided, single submitter. Criteria: Invitae Variant Classification Sherloc (09022015). Collection method: clinical testing. Allele origin: germline.
Comment: In summary, the currently available evidence indicates that the variant is pathogenic, but additional data are needed to prove that conclusively. Therefore, this variant has been classified as Likely Pathogenic. This variant is located in the A band of TTN (PMID: 25589632). Truncating variants in this region are significantly overrepresented in patients affected with dilated cardiomyopathy (PMID: 25589632). Truncating variants in this region have also been reported in individuals affected with autosomal recessive centronuclear myopathy (PMID: 23975875). This variant has not been reported in the literature in individuals with TTN-related conditions. This variant is not present in population databases (ExAC no frequency). This sequence change results in a premature translational stop signal in the TTN gene (p.Val24528Argfs*4). While this is not anticipated to result in nonsense mediated decay, it is expected to create a truncated TTN protein.

Literature cited by the submitters: PubMed 25589632; PubMed 23975875.

NM_001267550.2(TTN):c.73581_73585del (p.Val24528fs)

Genes: TTN-AS1 (TTN antisense RNA 1; plus strand), TTN (titin; minus strand). Cytogenetic location: 2q31.2.
Variant type: Deletion.
Coding change: c.73581_73585del on transcript NM_001267550.2 (MANE Select); coding-DNA positions 73581 to 73585, 5 bases deleted (GGTAA; older notation c.73581_73585delGGTAA).
Protein change: p.Val24528fs; shifts the reading frame from valine 24528.
Molecular consequence: frameshift variant.
Genome position (GRCh38, 1-based): chr2:178,572,547-178,572,551, TTACC deleted on the plus strand (GGTAA on the coding strand, the reverse complement: TTN is on the minus strand); deleting any 5 consecutive bases within chr2:178,572,547-178,572,553 gives the same sequence; the c. name uses the placement nearest the transcript's 3' end. VCF-style (leftmost placement, unchanged base first): chr2-178572546-TTTACC-T. GRCh37 (hg19) VCF-style: chr2-179437273-TTTACC-T.
Other names: c.68658_68662del, p.Val22887fs (NM_001256850.1); c.46386_46390del, p.Val15463fs (NM_003319.4); c.65877_65881del, p.Val21960fs (NM_133378.4); c.46761_46765del, p.Val15588fs (NM_133432.3); c.46962_46966del, p.Val15655fs (NM_133437.4); short protein forms V15463fs, V15588fs, V22887fs, V24528fs, V15655fs, V21960fs.
Identifiers: ClinVar variation 861726 (VCV000861726.10), dbSNP rs1708609129, ClinGen allele CA916081334.